The following is an entry in ClinVar:

ClinVar aggregate classification (germline): Likely pathogenic (1 of 4 stars; one submission).

Conditions:
Cohen syndrome (COH1). Also called: Cutis verticis gyrata, retinitis pigmentosa, and sensorineural deafness; PEPPER SYNDROME. Identifiers: Orphanet 193, MedGen C0265223, MONDO:0008999, OMIM 216550.

Submission:

Labcorp Genetics (formerly Invitae), Labcorp
Classification: Likely pathogenic for Cohen syndrome. Last evaluated: 2022-06-12. Review status: criteria provided, single submitter. Criteria: Invitae Variant Classification Sherloc (09022015). Collection method: clinical testing. Allele origin: germline.
Comment: In summary, the currently available evidence indicates that the variant is pathogenic, but additional data are needed to prove that conclusively. Therefore, this variant has been classified as Likely Pathogenic. A similar copy number variant has been observed in individual(s) with Cohen syndrome (PMID: 21330571). This variant is a gross deletion of the genomic region encompassing exon(s) 36 of the VPS13B gene. This variant would be expected to be in-frame, preserving the integrity of the reading frame.

Literature cited by the submitters: PubMed 21330571.

NC_000008.10:g.(?_100711743)_(100712170_?)del

Gene: VPS13B (vacuolar protein sorting 13 homolog B; plus strand). Cytogenetic location: 8q22.2.
Variant type: Deletion.
Identifiers: ClinVar variation 2426372 (VCV002426372.4).